The following is an entry in ClinVar:

NM_001143981.2(CHRDL1):c.145A>T (p.Arg49Ter)

Gene: CHRDL1 (chordin like 1; minus strand). Cytogenetic location: Xq23.
Variant type: single nucleotide variant.
Coding change: c.145A>T on transcript NM_001143981.2 (MANE Select); coding-DNA position 145, A replaced by T.
Protein change: p.Arg49Ter; replaces arginine 49 with a stop codon.
Molecular consequence: nonsense. On other transcripts: non-coding transcript variant (1).
Genome position (GRCh38, 1-based): chrX:110,762,757, T>A on the plus strand (A>T on the coding strand, the complement: CHRDL1 is on the minus strand). VCF-style: chrX-110762757-T-A. GRCh37 (hg19) VCF-style: chrX-110005985-T-A.
Other names: c.145A>T, p.Arg49Ter (NM_001143982.2, NM_001143983.3, NM_001367204.1 and 6 more transcripts); short protein forms R49*.
Identifiers: ClinVar variation 2018090 (VCV002018090.4), dbSNP rs2520472984, ClinGen allele CA414224743.

ClinVar aggregate classification (germline): Pathogenic (1 of 4 stars; one submission).

Submission:

Labcorp Genetics (formerly Invitae), Labcorp
Classification: Pathogenic. Last evaluated: 2022-07-19. Review status: criteria provided, single submitter. Criteria: Invitae Variant Classification Sherloc (09022015). Collection method: clinical testing. Allele origin: germline.
Comment: This sequence change creates a premature translational stop signal (p.Arg49*) in the CHRDL1 gene. It is expected to result in an absent or disrupted protein product. Loss-of-function variants in CHRDL1 are known to be pathogenic (PMID: 22284829, 25093588). This variant is not present in population databases (gnomAD no frequency). This variant has not been reported in the literature in individuals affected with CHRDL1-related conditions. Algorithms developed to predict the effect of sequence changes on RNA splicing suggest that this variant may disrupt the consensus splice site. For these reasons, this variant has been classified as Pathogenic.

Literature cited by the submitters: PubMed 22284829; PubMed 25093588.